The following is an entry in ClinVar:

NM_001378969.1(KCND3):c.-72-284C>A

Gene: KCND3 (potassium voltage-gated channel subfamily D member 3; minus strand). Cytogenetic location: 1p13.2.
Variant type: single nucleotide variant.
Coding change: c.-72-284C>A on transcript NM_001378969.1 (MANE Select); 284 bases into the intron before 72 bases upstream of the start codon, C replaced by A.
Molecular consequence: intron variant.
Genome position (GRCh38, 1-based): chr1:111,983,082, G>T on the plus strand (C>A on the coding strand, the complement: KCND3 is on the minus strand). VCF-style: chr1-111983082-G-T. GRCh37 (hg19) VCF-style: chr1-112525704-G-T.
Other names: c.-72-284C>A (NM_001378970.1, NM_172198.3, NM_004980.5).
Identifiers: ClinVar variation 672346 (VCV000672346.1), dbSNP rs140731277, ClinGen allele CA29326360.

ClinVar aggregate classification (germline): Likely benign (1 of 4 stars; one submission).

Allele frequency attached by ClinVar (database versions not stated): 1000 Genomes Project 30x 0.00328; 1000 Genomes Project 0.00339; TOPMed 0.01218; gnomAD 0.01334 and 0.01402.
gnomAD v4.1: 2,059 of 152,308 alleles (1.4%); highest among the groups gnomAD compares: Non-Finnish European, 2.2%; 22 homozygotes.

Submission:

GeneDx
Classification: Likely benign. Last evaluated: 2018-06-13. Review status: criteria provided, single submitter. Criteria: GeneDx Variant Classification (06012015). Collection method: clinical testing. Allele origin: germline. Affected: yes.
Comment: This variant is considered likely benign or benign based on one or more of the following criteria: it is a conservative change, it occurs at a poorly conserved position in the protein, it is predicted to be benign by multiple in silico algorithms, and/or has population frequency not consistent with disease.